The following is an entry in ClinVar:

ClinVar aggregate classification (germline): Uncertain significance (1 of 4 stars; one submission).

Submission:

GeneDx
Classification: Uncertain significance. Last evaluated: 2024-08-28. Review status: criteria provided, single submitter. Criteria: GeneDx Variant Classification Process June 2021. Collection method: clinical testing. Allele origin: germline. Affected: yes.
Comment: Not observed at significant frequency in large population cohorts (gnomAD); In silico analysis indicates that this missense variant does not alter protein structure/function; Has not been previously published as pathogenic or benign germline variant to our knowledge; This variant is associated with the following publications: (PMID: 28030567, 12426310)

NM_016169.4(SUFU):c.1331T>C (p.Leu444Ser)

Gene: SUFU (SUFU negative regulator of hedgehog signaling; plus strand). Cytogenetic location: 10q24.32.
Variant type: single nucleotide variant.
Coding change: c.1331T>C on transcript NM_016169.4 (MANE Select); coding-DNA position 1331, T replaced by C.
Protein change: p.Leu444Ser; replaces leucine 444 with serine.
Molecular consequence: missense variant.
Genome position (GRCh38, 1-based): chr10:102,627,209, T>C. VCF-style: chr10-102627209-T-C. GRCh37 (hg19) VCF-style: chr10-104386966-T-C.
Other names: short protein forms L444S.
Identifiers: ClinVar variation 3765906 (VCV003765906.1).